The following is an entry in ClinVar:

ClinVar aggregate classification (germline): Uncertain significance. Review status: criteria provided, single submitter (1 of 4 stars). 2 submissions from 2 submitters: Uncertain significance (1). 1 of the submissions does not count toward it. Last evaluated 2025-10-07.

Conditions:
MYH9-related disorder. Identifiers: MedGen C1854520.

gnomAD v4.1: 1 of 1,614,228 alleles (0.000062%); no homozygotes.

Submissions (2):

Women's Health and Genetics/Laboratory Corporation of America, LabCorp
Classification: Uncertain significance. Last evaluated: 2025-10-07. Review status: criteria provided, single submitter. Criteria: LabCorp Variant Classification Summary - May 2015. Collection method: clinical testing. Allele origin: germline.
Comment: Variant summary: MYH9 c.5380C>G (p.Leu1794Val) results in a conservative amino acid change in the encoded protein sequence. Algorithms developed to predict the effect of missense changes on protein structure and function are either unavailable or do not agree on the potential impact of this missense change. The variant was absent in 251472 control chromosomes. The available data on variant occurrences in the general population are insufficient to allow any conclusion about variant significance. To our knowledge, no occurrence of c.5380C>G in individuals affected with MYH9-related conditions and no experimental evidence demonstrating its impact on protein function have been reported. ClinVar contains an entry for this variant (Variation ID: 3350465). Based on the evidence outlined above, the variant was classified as uncertain significance.

PreventionGenetics, part of Exact Sciences
Classification: Uncertain significance for MYH9-related condition. Last evaluated: 2024-03-18. Review status: no assertion criteria provided. Collection method: clinical testing. Allele origin: germline. Not counted in ClinVar's aggregate classification.
Comment: The MYH9 c.5380C>G variant is predicted to result in the amino acid substitution p.Leu1794Val. To our knowledge, this variant has not been reported in the literature or in a large population database, indicating this variant is rare. At this time, the clinical significance of this variant is uncertain due to the absence of conclusive functional and genetic evidence.

NM_002473.6(MYH9):c.5380C>G (p.Leu1794Val)

Gene: MYH9 (myosin heavy chain 9; minus strand). Cytogenetic location: 22q12.3.
Variant type: single nucleotide variant.
Coding change: c.5380C>G on transcript NM_002473.6 (MANE Select); coding-DNA position 5380, C replaced by G.
Protein change: p.Leu1794Val; replaces leucine 1794 with valine.
Molecular consequence: missense variant.
Genome position (GRCh38, 1-based): chr22:36,285,224, G>C on the plus strand (C>G on the coding strand, the complement: MYH9 is on the minus strand). VCF-style: chr22-36285224-G-C. GRCh37 (hg19) VCF-style: chr22-36681270-G-C.
Other names: short protein forms L1794V.
Identifiers: ClinVar variation 3350465 (VCV003350465.2).
Genomic context (GRCh38, chr22:36,285,224, plus strand): 5'-CCTCGAGGGCGGTGATGGAGGCCTTGTACTTGGACTTGACAGTGCCCTCCATCTCCTGCA[G>C]CTTGACCTTAAGCTCCTTGTTCTGGCGTTCCAGCTGCTGCCGAGCATTCTCGTTCTTCTG-3'
Protein context (NP_002464.1, residues 1784-1804): ERQNKELKVK[Leu1794Val]QEMEGTVKSK